The following is an entry in ClinVar:

NM_001165963.4(SCN1A):c.2681C>G (p.Thr894Ser)

Gene: SCN1A (sodium voltage-gated channel alpha subunit 1; minus strand). Cytogenetic location: 2q24.3.
Variant type: single nucleotide variant.
Coding change: c.2681C>G on transcript NM_001165963.4 (MANE Select); coding-DNA position 2681, C replaced by G.
Protein change: p.Thr894Ser; replaces threonine 894 with serine.
Molecular consequence: missense variant. On other transcripts: non-coding transcript variant (1).
Genome position (GRCh38, 1-based): chr2:166,038,041, G>C on the plus strand (C>G on the coding strand, the complement: SCN1A is on the minus strand). VCF-style: chr2-166038041-G-C. GRCh37 (hg19) VCF-style: chr2-166894551-G-C.
Other names: p.T894S:ACC>AGC; c.2597C>G, p.Thr866Ser (NM_001165964.3, NM_001353957.2, NM_001353958.2); c.2681C>G, p.Thr894Ser (NM_001202435.3, NM_001353948.2); c.2648C>G, p.Thr883Ser (NM_001353949.2, NM_001353950.2, NM_001353951.2 and 2 more transcripts); c.2645C>G, p.Thr882Ser (NM_001353954.2, NM_001353955.2); c.2594C>G, p.Thr865Ser (NM_001353960.2); c.239C>G, p.Thr80Ser (NM_001353961.2); short protein forms T883S, T894S, T865S, T80S, T866S, T882S.
Identifiers: ClinVar variation 206785 (VCV000206785.2), dbSNP rs796052983, ClinGen allele CA317303.
Genomic context (GRCh38, chr2:166,038,041, plus strand): 5'-TTACCAAAGAGCTGCATGCCGACCACGGCAAAAATGAAGACGATGATGGCCAAGACGAGG[G>C]TTAAATTTCCCAGAGCCCCCACGGAATTGCCGATGATCTTTATTAGCATATTTAACGTTG-3'
Protein context (NP_001159435.1, residues 884-904): GNSVGALGNL[Thr894Ser]LVLAIIVFIF

ClinVar aggregate classification (germline): Likely pathogenic (1 of 4 stars; one submission).

Submission:

GeneDx
Classification: Likely pathogenic. Last evaluated: 2018-08-03. Review status: criteria provided, single submitter. Criteria: GeneDx Variant Classification (06012015). Collection method: clinical testing. Allele origin: germline. Affected: yes.
Comment: p.Thr894Ser (ACC>AGC): c.2681 C>G in exon 15 of the SCN1A gene (NM_001165963.1) The Thr894Ser missense change has not been published as a mutation nor as a benign polymorphism, to our knowledge. The NHLBI ESP Exome Variant Project has not identified Thr894Ser in approximately 6,500 individuals of European or African American ethnicity, indicating that it is not a common benign variant in these populations. This amino acid substitution is conservative, as Threonine and Serine are both uncharged, polar amino acid residues. However, Thr894Ser alters a highly conserved position in the S5 segment of the third transmembrane domain, and other nearby missense mutations in this domain have been reported in association with SCN1A-related disorders. Additionally, multiple in silico algorithms predict that Thr894Ser may be damaging to protein structure/function. Therefore, based on the currently available information, Thr894Ser is a strong candidate for a disease-causing mutation, although the possibility that it is a benign variant cannot be excluded. The variant is found in EPILEPSY panel(s).